The following is an entry in ClinVar:

ClinVar aggregate classification (germline): Uncertain significance (1 of 4 stars; one submission).

Conditions:
MHC class I deficiency. Identifiers: Orphanet 34592, MedGen C6024714, MONDO:0011476.

Allele frequency attached by ClinVar (database versions not stated): gnomAD 0.00001; gnomAD exomes 0.00001; TOPMed 0.00001.
gnomAD v4.1: 11 of 1,613,850 alleles (0.00068%); highest among the groups gnomAD compares: Non-Finnish European, 0.00085%; no homozygotes.

Submission:

Labcorp Genetics (formerly Invitae), Labcorp
Classification: Uncertain significance for MHC class I deficiency 1. Last evaluated: 2021-12-30. Review status: criteria provided, single submitter. Criteria: Invitae Variant Classification Sherloc (09022015). Collection method: clinical testing. Allele origin: germline.
Comment: This sequence change replaces tyrosine, which is neutral and polar, with cysteine, which is neutral and slightly polar, at codon 572 of the TAP1 protein (p.Tyr572Cys). This variant is not present in population databases (gnomAD no frequency). This variant has not been reported in the literature in individuals affected with TAP1-related conditions. Algorithms developed to predict the effect of missense changes on protein structure and function are either unavailable or do not agree on the potential impact of this missense change (SIFT: "Deleterious"; PolyPhen-2: "Probably Damaging"; Align-GVGD: "Class C0"). In summary, the available evidence is currently insufficient to determine the role of this variant in disease. Therefore, it has been classified as a Variant of Uncertain Significance.

NM_000593.6(TAP1):c.1535A>G (p.Tyr512Cys)

Gene: TAP1 (transporter 1, ATP binding cassette subfamily B member; minus strand). Cytogenetic location: 6p21.32.
Variant type: single nucleotide variant.
Coding change: c.1535A>G on transcript NM_000593.6 (MANE Select); coding-DNA position 1535, A replaced by G.
Protein change: p.Tyr512Cys; replaces tyrosine 512 with cysteine.
Molecular consequence: missense variant.
Genome position (GRCh38, 1-based): chr6:32,848,683, T>C on the plus strand (A>G on the coding strand, the complement: TAP1 is on the minus strand). VCF-style: chr6-32848683-T-C. GRCh37 (hg19) VCF-style: chr6-32816460-T-C.
Other names: c.932A>G, p.Tyr311Cys (NM_001292022.2); short protein forms Y512C, Y311C.
Identifiers: ClinVar variation 1941547 (VCV001941547.4), dbSNP rs1290198274, ClinGen allele CA363591762.